The following is an entry in ClinVar:

ClinVar aggregate classification (germline): Uncertain significance. Review status: criteria provided, multiple submitters, no conflicts (2 of 4 stars). 2 submissions from 2 submitters: Uncertain significance (2). Last evaluated 2024-03-06.

Conditions:
Cardiomyopathy (CMYO). Also called: Cardiomyopathies. Identifiers: Orphanet 167848, MedGen C0878544, MONDO:0004994, HP:0001638. Inheritance: Various modes of inheritance.
Cardiovascular phenotype. Identifiers: MedGen CN230736.

Allele frequency attached by ClinVar (database versions not stated): TOPMed below 0.00001.

Submissions (2):

Color Diagnostics, LLC DBA Color Health
Classification: Uncertain significance for Cardiomyopathy. Last evaluated: 2024-03-06. Review status: criteria provided, single submitter. Criteria: ACMG Guidelines, 2015. Collection method: clinical testing. Allele origin: germline.
Comment: This missense variant replaces isoleucine with valine at codon 1568 of the MYH7 protein. Computational prediction suggests that this variant may not impact protein structure and function (internally defined REVEL score threshold <= 0.5, PMID: 27666373). To our knowledge, functional studies have not been reported for this variant. This variant has not been reported in individuals affected with MYH7-related disorders in the literature. This variant has not been identified in the general population by the Genome Aggregation Database (gnomAD). The available evidence is insufficient to determine the role of this variant in disease conclusively. Therefore, this variant is classified as a Variant of Uncertain Significance.

Ambry Genetics
Classification: Uncertain significance for Cardiovascular phenotype. Last evaluated: 2023-04-28. Review status: criteria provided, single submitter. Criteria: Ambry Variant Classification Scheme 2023. Collection method: clinical testing. Allele origin: germline.
Comment: The p.I1568V variant (also known as c.4702A>G), located in coding exon 32 of the MYH7 gene, results from an A to G substitution at nucleotide position 4702. The isoleucine at codon 1568 is replaced by valine, an amino acid with highly similar properties. This amino acid position is well conserved in available vertebrate species. In addition, this alteration is predicted to be tolerated by in silico analysis. Since supporting evidence is limited at this time, the clinical significance of this alteration remains unclear.

NM_000257.4(MYH7):c.4702A>G (p.Ile1568Val)

Genes: MHRT (myosin heavy chain associated RNA transcript; plus strand), MYH7 (myosin heavy chain 7; minus strand), LOC126861897 (BRD4-independent group 4 enhancer GRCh37_chr14:23884455-23885654; plus strand). Cytogenetic location: 14q11.2.
Variant type: single nucleotide variant.
Coding change: c.4702A>G on transcript NM_000257.4 (MANE Select); coding-DNA position 4702, A replaced by G.
Protein change: p.Ile1568Val; replaces isoleucine 1568 with valine.
Molecular consequence: missense variant. On other transcripts: non-coding transcript variant (1).
Genome position (GRCh38, 1-based): chr14:23,416,255, T>C on the plus strand (A>G on the coding strand, the complement: MYH7 is on the minus strand). VCF-style: chr14-23416255-T-C. GRCh37 (hg19) VCF-style: chr14-23885464-T-C.
Other names: short protein forms I1568V.
Identifiers: ClinVar variation 922352 (VCV000922352.7), dbSNP rs1892204171, ClinGen allele CA389037823.
Genomic context (GRCh38, chr14:23,416,255, plus strand): 5'-GCTTGGCCTGTTCCATCTCCTCGTCCTTCTCTGCCAGCTTCCGCTCGATCTCTGCCTTGA[T>C]CTGGTTGAACTCCAGCTGGGCCCGGAGGATCTTGCCCTCCTCGTGCTCCAGGGAGGCCTG-3'
Protein context (NP_000248.2, residues 1558-1578): ILRAQLEFNQ[Ile1568Val]KAEIERKLAE